The following is an entry in ClinVar:

NM_001364905.1(LRBA):c.3970T>C (p.Phe1324Leu)

Gene: LRBA (LPS responsive beige-like anchor protein; minus strand). Cytogenetic location: 4q31.3.
Variant type: single nucleotide variant.
Coding change: c.3970T>C on transcript NM_001364905.1 (MANE Select); coding-DNA position 3970, T replaced by C.
Protein change: p.Phe1324Leu; replaces phenylalanine 1324 with leucine.
Molecular consequence: missense variant.
Genome position (GRCh38, 1-based): chr4:150,850,758, A>G on the plus strand (T>C on the coding strand, the complement: LRBA is on the minus strand). VCF-style: chr4-150850758-A-G. GRCh37 (hg19) VCF-style: chr4-151771910-A-G.
Other names: c.3970T>C, p.Phe1324Leu (NM_001199282.3, NM_001367550.1, NM_006726.5); short protein forms F1324L.
Identifiers: ClinVar variation 844073 (VCV000844073.9), dbSNP rs1469170429, ClinGen allele CA358455315.

ClinVar aggregate classification (germline): Uncertain significance (1 of 4 stars; one submission).

Conditions:
Combined immunodeficiency due to LRBA deficiency. Also called: Common variable immunodeficiency 8, with autoimmunity. Identifiers: Orphanet 445018, MedGen C3553512, MONDO:0013863, OMIM 614700.

Allele frequency attached by ClinVar (database versions not stated): gnomAD exomes below 0.00001 and 0.00001; TOPMed below 0.00001.
gnomAD v4.1: 7 of 1,612,780 alleles (0.00043%); highest among the groups gnomAD compares: East Asian, 0.0022%; no homozygotes.

Submission:

Labcorp Genetics (formerly Invitae), Labcorp
Classification: Uncertain significance for Combined immunodeficiency due to LRBA deficiency. Last evaluated: 2024-02-17. Review status: criteria provided, single submitter. Criteria: Invitae Variant Classification Sherloc (09022015). Collection method: clinical testing. Allele origin: germline.
Comment: This sequence change replaces phenylalanine, which is neutral and non-polar, with leucine, which is neutral and non-polar, at codon 1324 of the LRBA protein (p.Phe1324Leu). This variant is present in population databases (no rsID available, gnomAD 0.006%). This variant has not been reported in the literature in individuals affected with LRBA-related conditions. ClinVar contains an entry for this variant (Variation ID: 844073). Advanced modeling of protein sequence and biophysical properties (such as structural, functional, and spatial information, amino acid conservation, physicochemical variation, residue mobility, and thermodynamic stability) has been performed at Invitae for this missense variant, however the output from this modeling did not meet the statistical confidence thresholds required to predict the impact of this variant on LRBA protein function. In summary, the available evidence is currently insufficient to determine the role of this variant in disease. Therefore, it has been classified as a Variant of Uncertain Significance.